The following is an entry in ClinVar:

ClinVar aggregate classification (germline): Likely benign. Review status: criteria provided, multiple submitters, no conflicts (2 of 4 stars). 2 submissions from 2 submitters: Likely benign (2). Last evaluated 2026-08-01.

Allele frequency attached by ClinVar (database versions not stated): gnomAD 0.00019 and 0.00020; gnomAD exomes 0.00021 and 0.00033; ESP Exome Variant Server 0.00024; TOPMed 0.00028; ExAC 0.00039; 1000 Genomes Project 0.00040; 1000 Genomes Project 30x 0.00047.
gnomAD v4.1: 352 of 1,611,880 alleles (0.022%); highest among the groups gnomAD compares: Middle Eastern, 0.18%; 2 homozygotes.

Submissions (2):

CeGaT Center for Human Genetics Tuebingen
Classification: Likely benign. Last evaluated: 2026-08-01. Review status: criteria provided, single submitter. Criteria: CeGaT Center For Human Genetics Tuebingen Variant Classification Criteria Version 2. Collection method: clinical testing. Allele origin: germline. Affected: yes. Observed: 3 variant alleles.
Comment: SKIC2: BP4, BP7

Labcorp Genetics (formerly Invitae), Labcorp
Classification: Likely benign. Last evaluated: 2026-01-28. Review status: criteria provided, single submitter. Criteria: Invitae Variant Classification Sherloc (09022015). Collection method: clinical testing. Allele origin: germline.

NM_006929.5(SKIC2):c.3366C>T (p.Asp1122=)

Gene: SKIC2 (SKI2 subunit of superkiller complex; plus strand). Cytogenetic location: 6p21.33.
Variant type: single nucleotide variant.
Coding change: c.3366C>T on transcript NM_006929.5 (MANE Select); coding-DNA position 3366, C replaced by T.
Protein change: p.Asp1122=; no amino-acid change (aspartic acid 1122 retained).
Molecular consequence: synonymous variant.
Genome position (GRCh38, 1-based): chr6:31,969,056, C>T. VCF-style: chr6-31969056-C-T. GRCh37 (hg19) VCF-style: chr6-31936833-C-T.
Identifiers: ClinVar variation 1639475 (VCV001639475.28), dbSNP rs367766486, ClinGen allele CA3730034.